The following is an entry in ClinVar:

NM_006231.4(POLE):c.2485A>G (p.Met829Val)

Gene: POLE (DNA polymerase epsilon, catalytic subunit; minus strand). Cytogenetic location: 12q24.33.
Variant type: single nucleotide variant.
Coding change: c.2485A>G on transcript NM_006231.4 (MANE Select); coding-DNA position 2485, A replaced by G.
Protein change: p.Met829Val; replaces methionine 829 with valine.
Molecular consequence: missense variant.
Genome position (GRCh38, 1-based): chr12:132,664,446, T>C on the plus strand (A>G on the coding strand, the complement: POLE is on the minus strand). VCF-style: chr12-132664446-T-C. GRCh37 (hg19) VCF-style: chr12-133241032-T-C.
Other names: short protein forms M829V.
Identifiers: ClinVar variation 473534 (VCV000473534.43), dbSNP rs762395135, ClinGen allele CA6893528.
Genomic context (GRCh38, chr12:132,664,446, plus strand): 5'-GCTCCCGTGCCTGGGTGATGATGTTGGCCCCTGTGAAGCAGACGATGCCAGCCATCTCCA[T>C]GGAGTACCAGCGAGCCCTGAGAGGACACCACAAACTGGTGGGTGGGGCTGGCATGGCTCC-3'
Protein context (NP_006222.2, residues 819-839): VMRKGARWYS[Met829Val]EMAGIVCFTG

ClinVar aggregate classification (germline): Uncertain significance. Review status: criteria provided, multiple submitters, no conflicts (2 of 4 stars). 2 submissions from 2 submitters: Uncertain significance (2). Last evaluated 2025-03-03.

Allele frequency attached by ClinVar (database versions not stated): gnomAD exomes below 0.00001; ExAC 0.00001.

Submissions (2):

Labcorp Genetics (formerly Invitae), Labcorp
Classification: Uncertain significance. Last evaluated: 2025-03-03. Review status: criteria provided, single submitter. Criteria: Invitae Variant Classification Sherloc (09022015). Collection method: clinical testing. Allele origin: germline.
Comment: This sequence change replaces methionine, which is neutral and non-polar, with valine, which is neutral and non-polar, at codon 829 of the POLE protein (p.Met829Val). This variant is present in population databases (rs762395135, gnomAD 0.005%). This variant has not been reported in the literature in individuals affected with POLE-related conditions. ClinVar contains an entry for this variant (Variation ID: 473534). Invitae Evidence Modeling of protein sequence and biophysical properties (such as structural, functional, and spatial information, amino acid conservation, physicochemical variation, residue mobility, and thermodynamic stability) indicates that this missense variant is expected to disrupt POLE protein function with a positive predictive value of 80%. In summary, the available evidence is currently insufficient to determine the role of this variant in disease. Therefore, it has been classified as a Variant of Uncertain Significance.

CeGaT Center for Human Genetics Tuebingen
Classification: Uncertain significance. Last evaluated: 2020-09-01. Review status: criteria provided, single submitter. Criteria: CeGaT Center For Human Genetics Tuebingen Variant Classification Criteria Version 2. Collection method: clinical testing. Allele origin: germline. Affected: yes. Observed: 1 variant allele.